The following is an entry in ClinVar:

NM_001171.6(ABCC6):c.4153G>A (p.Ala1385Thr)

Gene: ABCC6 (ATP binding cassette subfamily C member 6; minus strand). Cytogenetic location: 16p13.11.
Variant type: single nucleotide variant.
Coding change: c.4153G>A on transcript NM_001171.6 (MANE Select); coding-DNA position 4153, G replaced by A.
Protein change: p.Ala1385Thr; replaces alanine 1385 with threonine.
Molecular consequence: missense variant. On other transcripts: non-coding transcript variant (1).
Genome position (GRCh38, 1-based): chr16:16,154,683, C>T on the plus strand (G>A on the coding strand, the complement: ABCC6 is on the minus strand). VCF-style: chr16-16154683-C-T. GRCh37 (hg19) VCF-style: chr16-16248540-C-T.
Other names: c.3811G>A, p.Ala1271Thr (NM_001351800.1); short protein forms A1385T, A1271T.
Identifiers: ClinVar variation 1497476 (VCV001497476.8), dbSNP rs1338245684, ClinGen allele CA394884498.

ClinVar aggregate classification (germline): Uncertain significance (1 of 4 stars; one submission).

Allele frequency attached by ClinVar (database versions not stated): gnomAD exomes below 0.00001.
gnomAD v4.1: 1 of 1,613,358 alleles (0.000062%); highest among the groups gnomAD compares: Admixed American, 0.0017%; no homozygotes.

Submission:

Labcorp Genetics (formerly Invitae), Labcorp
Classification: Uncertain significance. Last evaluated: 2022-10-24. Review status: criteria provided, single submitter. Criteria: Invitae Variant Classification Sherloc (09022015). Collection method: clinical testing. Allele origin: germline.
Comment: This sequence change replaces alanine, which is neutral and non-polar, with threonine, which is neutral and polar, at codon 1385 of the ABCC6 protein (p.Ala1385Thr). The frequency data for this variant in the population databases is considered unreliable, as metrics indicate poor data quality at this position in the gnomAD database. This variant has not been reported in the literature in individuals affected with ABCC6-related conditions. ClinVar contains an entry for this variant (Variation ID: 1497476). Advanced modeling of protein sequence and biophysical properties (such as structural, functional, and spatial information, amino acid conservation, physicochemical variation, residue mobility, and thermodynamic stability) performed at Invitae indicates that this missense variant is not expected to disrupt ABCC6 protein function. In summary, the available evidence is currently insufficient to determine the role of this variant in disease. Therefore, it has been classified as a Variant of Uncertain Significance.